The following is an entry in ClinVar:

NM_004333.6(BRAF):c.1206C>A (p.Pro402=)

Gene: BRAF (B-Raf proto-oncogene, serine/threonine kinase; minus strand). Cytogenetic location: 7q34.
Variant type: single nucleotide variant.
Coding change: c.1206C>A on transcript NM_004333.6 (MANE Select); coding-DNA position 1206, C replaced by A.
Protein change: p.Pro402=; no amino-acid change (proline 402 retained).
Molecular consequence: synonymous variant.
Genome position (GRCh38, 1-based): chr7:140,783,129, G>T on the plus strand (C>A on the coding strand, the complement: BRAF is on the minus strand). VCF-style: chr7-140783129-G-T. GRCh37 (hg19) VCF-style: chr7-140482929-G-T.
Other names: c.1206C>A, p.Pro402= (NM_001354609.2); c.1326C>A, p.Pro442= (NM_001374244.1, NM_001374258.1).
Identifiers: ClinVar variation 704330 (VCV000704330.43), dbSNP rs201758035, ClinGen allele CA4516775.
Genomic context (GRCh38, chr7:140,783,129, plus strand): 5'-AGGTCCTGGAGATTTCTGTAAGGCTTTCACGTTAGTTAGTGAGCCAGGTAATGAGGCAGG[G>T]GGGGTAGCAGACAAACCTGTGGTTGATCCTAAATTAGTGAAAAGAAAAATGTATACATTA-3'
Protein context (NP_004324.2, residues 392-412): GGSTTGLSAT[Pro402=]PASLPGSLTN

ClinVar aggregate classification (germline): Likely benign. Review status: criteria provided, multiple submitters, no conflicts (2 of 4 stars). 6 submissions from 6 submitters: Likely benign (6). Last evaluated 2026-08-18.

Conditions:
Noonan syndrome 1 (NS1). Also called: PTPN11-Related Noonan Syndrome; TURNER PHENOTYPE WITH NORMAL KARYOTYPE; FEMALE PSEUDO-TURNER SYNDROME. Identifiers: Orphanet 648, MedGen C4551602, MONDO:0008104, OMIM 163950. Disease mechanism: gain of function.
Melanoma, cutaneous malignant, susceptibility to, 1 (CMM1). Also called: B-K MOLE SYNDROME; MELANOMA, MALIGNANT; DYSPLASTIC NEVUS SYNDROME, HEREDITARY; FAMILIAL ATYPICAL MOLE-MALIGNANT MELANOMA SYNDROME. Identifiers: Orphanet 618, MedGen C1835047, MONDO:0007963, OMIM 155600.
Colorectal cancer. Also called: Colorectal cancer, somatic; Malignant Colorectal Neoplasm. Identifiers: MedGen C0346629, MONDO:0005575, OMIM 114500.
Cardiofaciocutaneous syndrome 1 (CFC1). Also called: BRAF-Related Cardiofaciocutaneous Syndrome. Identifiers: Orphanet 1340, MedGen CN029449, MONDO:0007265, OMIM 115150. Disease mechanism: gain of function.
LEOPARD syndrome 3 (LPRD3). Identifiers: Orphanet 500, MedGen C3150971, MONDO:0013380, OMIM 613707.
Noonan syndrome 7 (NS7). Also called: BRAF-Related Noonan Syndrome. Identifiers: Orphanet 648, MedGen C3150970, MONDO:0013379, OMIM 613706.
Lung cancer. Also called: Lung cancer, somatic; Malignant tumor of lung. Identifiers: MedGen C0242379, MONDO:0008903, OMIM 211980.
RASopathy. Also called: rasopathies; Noonan spectrum disorder. Identifiers: Orphanet 536391, MedGen C5555857, MONDO:0021060.
Cardiovascular phenotype. Identifiers: MedGen CN230736.

Allele frequency attached by ClinVar (database versions not stated): TOPMed 0.00003.
gnomAD v4.1: 56 of 1,613,932 alleles (0.0035%); highest among the groups gnomAD compares: Non-Finnish European, 0.0042%; no homozygotes.

Submissions (6):

Ambry Genetics
Classification: Likely benign for Cardiovascular phenotype. Last evaluated: 2026-08-18. Review status: criteria provided, single submitter. Criteria: Ambry Variant Classification Scheme 2023. Collection method: clinical testing. Allele origin: germline.

Labcorp Genetics (formerly Invitae), Labcorp
Classification: Likely benign for RASopathy. Last evaluated: 2025-12-09. Review status: criteria provided, single submitter. Criteria: Invitae Variant Classification Sherloc (09022015). Collection method: clinical testing. Allele origin: germline.

CeGaT Center for Human Genetics Tuebingen
Classification: Likely benign. Last evaluated: 2025-03-01. Review status: criteria provided, single submitter. Criteria: CeGaT Center For Human Genetics Tuebingen Variant Classification Criteria Version 2. Collection method: clinical testing. Allele origin: germline. Affected: yes. Observed: 2 variant alleles.
Comment: BRAF: BP4, BP7

Blueprint Genetics
Classification: Likely benign. Last evaluated: 2024-09-17. Review status: criteria provided, single submitter. Criteria: ACMG Guidelines, 2015. Collection method: clinical testing. Allele origin: germline.

Fulgent Genetics
Classification: Likely benign for Colorectal cancer; Cardiofaciocutaneous syndrome 1; Melanoma, cutaneous malignant, susceptibility to, 1; Noonan syndrome 1; Lung cancer; Noonan syndrome 7; LEOPARD syndrome 3. Last evaluated: 2021-07-21. Review status: criteria provided, single submitter. Criteria: ACMG Guidelines, 2015. Collection method: clinical testing. Allele origin: unknown.

GeneDx
Classification: Likely benign. Last evaluated: 2020-03-18. Review status: criteria provided, single submitter. Criteria: GeneDx Variant Classification Process June 2021. Collection method: clinical testing. Allele origin: germline. Affected: yes.